The following is an entry in ClinVar:

NM_170665.4(ATP2A2):c.2321T>A (p.Ile774Asn)

Gene: ATP2A2 (ATPase sarcoplasmic/endoplasmic reticulum Ca2+ transporting 2; plus strand). Cytogenetic location: 12q24.11.
Variant type: single nucleotide variant.
Coding change: c.2321T>A on transcript NM_170665.4 (MANE Select); coding-DNA position 2321, T replaced by A.
Protein change: p.Ile774Asn; replaces isoleucine 774 with asparagine.
Molecular consequence: missense variant.
Genome position (GRCh38, 1-based): chr12:110,343,234, T>A. VCF-style: chr12-110343234-T-A. GRCh37 (hg19) VCF-style: chr12-110781039-T-A.
Other names: c.2216T>A, p.Ile739Asn (NM_001413013.1); c.2321T>A, p.Ile774Asn (NM_001413014.1, NM_001681.4); c.1946T>A, p.Ile649Asn (NM_001413015.1); short protein forms I739N, I649N, I774N.
Identifiers: ClinVar variation 2859247 (VCV002859247.3), dbSNP rs2548564024, ClinGen allele CA386675904.
Genomic context (GRCh38, chr12:110,343,234, plus strand): 5'-AAATAGTGGCCAGAAGTCATTTGGGCTCTCTTTGTCTTCTTTTCTTGATTGGAAACAGTA[T>A]TTTCCTGACAGCAGCCCTTGGATTTCCCGAGGCTTTGATTCCTGTTCAGCTGCTCTGGGT-3'
Protein context (NP_733765.1, residues 764-784): ISSNVGEVVC[Ile774Asn]FLTAALGFPE

ClinVar aggregate classification (germline): Uncertain significance (1 of 4 stars; one submission).

Submission:

Labcorp Genetics (formerly Invitae), Labcorp
Classification: Uncertain significance. Last evaluated: 2023-08-31. Review status: criteria provided, single submitter. Criteria: Invitae Variant Classification Sherloc (09022015). Collection method: clinical testing. Allele origin: germline.
Comment: An algorithm developed to predict the effect of missense changes on protein structure and function (PolyPhen-2) suggests that this variant is likely to be disruptive. In summary, the available evidence is currently insufficient to determine the role of this variant in disease. Therefore, it has been classified as a Variant of Uncertain Significance. Algorithms developed to predict the effect of sequence changes on RNA splicing suggest that this variant may disrupt the consensus splice site. This missense change has been observed in individual(s) with Darier disease (Invitae). This variant is not present in population databases (gnomAD no frequency). This sequence change replaces isoleucine, which is neutral and non-polar, with asparagine, which is neutral and polar, at codon 774 of the ATP2A2 protein (p.Ile774Asn).